The following is an entry in ClinVar:

ClinVar aggregate classification (germline): Pathogenic (1 of 4 stars; one submission).

Conditions:
Hereditary spastic paraplegia 4. Also called: Spastic paraplegia 4, autosomal dominant; Spastic Paraplegia 4; Familial spastic paraplegia autosomal dominant 2. Identifiers: Orphanet 100985, MedGen C1866855, MONDO:0008438, OMIM 182601.

Submission:

Labcorp Genetics (formerly Invitae), Labcorp
Classification: Pathogenic for Hereditary spastic paraplegia 4. Last evaluated: 2018-02-16. Review status: criteria provided, single submitter. Criteria: Invitae Variant Classification Sherloc (09022015). Collection method: clinical testing. Allele origin: germline.
Comment: For these reasons, this variant has been classified as Pathogenic. Loss-of-function variants in SPAST are known to be pathogenic (PMID: 20932283). This variant has not been reported in the literature in individuals with SPAST-related disease. While this variant is not present in population databases, the frequency information is unreliable, as metrics indicate poor data quality at this position in the ExAC database. This sequence change creates a premature translational stop signal (p.Phe119Argfs*20) in the SPAST gene. It is expected to result in an absent or disrupted protein product.

Literature cited by the submitters: PubMed 20932283.

NM_014946.4(SPAST):c.344_353dup (p.Phe119fs)

Gene: SPAST (spastin; plus strand). Cytogenetic location: 2p22.3.
Variant type: Duplication.
Coding change: c.344_353dup on transcript NM_014946.4 (MANE Select); coding-DNA positions 344 to 353, 10 bases duplicated (GCGTCCGAGT; older notation c.344_353dupGCGTCCGAGT).
Protein change: p.Phe119fs; shifts the reading frame from phenylalanine 119.
Molecular consequence: frameshift variant.
Genome position (GRCh38, 1-based): chr2:32,064,175-32,064,184, GCGTCCGAGT duplicated. VCF-style (leftmost placement, unchanged base first): chr2-32064174-C-CGCGTCCGAGT. GRCh37 (hg19) VCF-style: chr2-32289243-C-CGCGTCCGAGT.
Other names: c.344_353dupGCGTCCGAGT (NM_014946.3); c.344_353dup, p.Phe119fs (NM_001363823.2, NM_001363875.2, NM_001377959.1 and 1 more transcripts); short protein forms F119fs.
Identifiers: ClinVar variation 565925 (VCV000565925.6), dbSNP rs1558606204, ClinGen allele CA891842789.